The following is an entry in ClinVar:

ClinVar aggregate classification (germline): Uncertain significance (1 of 4 stars; one submission).

Conditions:
Brugada syndrome. Also called: Sudden unexplained nocturnal death syndrome; Sudden unexpected nocturnal death syndrome; Sudden Unexplained Death Syndrome; Sudden Unexplained Nocturnal Death Syndrome (SUNDS). Identifiers: Orphanet 130, MedGen C1142166, MONDO:0015263.

gnomAD v4.1: 2 of 1,614,088 alleles (0.00012%); highest among the groups gnomAD compares: South Asian, 0.0011%; no homozygotes.

Submission:

Labcorp Genetics (formerly Invitae), Labcorp
Classification: Uncertain significance for Brugada syndrome. Last evaluated: 2024-10-30. Review status: criteria provided, single submitter. Criteria: Invitae Variant Classification Sherloc (09022015). Collection method: clinical testing. Allele origin: germline.
Comment: This sequence change replaces glutamic acid, which is acidic and polar, with aspartic acid, which is acidic and polar, at codon 48 of the SCN10A protein (p.Glu48Asp). This variant is not present in population databases (gnomAD no frequency). This variant has not been reported in the literature in individuals affected with SCN10A-related conditions. Invitae Evidence Modeling of protein sequence and biophysical properties (such as structural, functional, and spatial information, amino acid conservation, physicochemical variation, residue mobility, and thermodynamic stability) indicates that this missense variant is not expected to disrupt SCN10A protein function with a negative predictive value of 80%. In summary, the available evidence is currently insufficient to determine the role of this variant in disease. Therefore, it has been classified as a Variant of Uncertain Significance.

NM_006514.4(SCN10A):c.144A>C (p.Glu48Asp)

Gene: SCN10A (sodium voltage-gated channel alpha subunit 10; minus strand). Cytogenetic location: 3p22.2.
Variant type: single nucleotide variant.
Coding change: c.144A>C on transcript NM_006514.4 (MANE Select); coding-DNA position 144, A replaced by C.
Protein change: p.Glu48Asp; replaces glutamic acid 48 with aspartic acid.
Molecular consequence: missense variant.
Genome position (GRCh38, 1-based): chr3:38,793,867, T>G on the plus strand (A>C on the coding strand, the complement: SCN10A is on the minus strand). VCF-style: chr3-38793867-T-G. GRCh37 (hg19) VCF-style: chr3-38835358-T-G.
Other names: c.144A>C, p.Glu48Asp (NM_001293306.2, NM_001293307.2); short protein forms E48D.
Identifiers: ClinVar variation 3697873 (VCV003697873.2).